The following is an entry in ClinVar:

NC_000020.10:g.(?_50400804)_(50418947_?)del

Gene: SALL4 (spalt like transcription factor 4; minus strand). Cytogenetic location: 20q13.2.
Variant type: Deletion.
Identifiers: ClinVar variation 1362243 (VCV001362243.3).

ClinVar aggregate classification (germline): Pathogenic (1 of 4 stars; one submission).

Conditions:
Duane-radial ray syndrome (DRRS). Also called: Okihiro Syndrome; Duane-Radial Ray Syndrome/Okihiro Syndrome; Duane-Radial Ray Syndrome (DRRS) / Okihiro Syndrome; ACRORENOOCULAR SYNDROME; DR SYNDROME; DUANE ANOMALY WITH RADIAL RAY ABNORMALITIES AND DEAFNESS. Identifiers: Orphanet 93293, Orphanet 959, MedGen C1623209, MONDO:0011812, OMIM 607323. Disease mechanism: gain of function.

Submission:

Labcorp Genetics (formerly Invitae), Labcorp
Classification: Pathogenic for Duane-radial ray syndrome. Last evaluated: 2021-07-19. Review status: criteria provided, single submitter. Criteria: Invitae Variant Classification Sherloc (09022015). Collection method: clinical testing. Allele origin: germline.
Comment: A gross deletion of the genomic region encompassing the full coding sequence of the SALL4 gene has been identified. Loss-of-function variants in SALL4 are known to be pathogenic (PMID: 15342710, 16086360). The boundaries of this event are unknown as they extend beyond the assayed region for this gene and therefore may encompass additional genes. A similar copy number variant has been observed in individual(s) with Duane-radial ray syndrome (PMID: 22382802). For these reasons, this variant has been classified as Pathogenic.

Literature cited by the submitters: PubMed 15342710; PubMed 16086360; PubMed 22382802.